The following is an entry in ClinVar:

NM_006231.4(POLE):c.537_542del (p.Glu179_Gln180del)

Gene: POLE (DNA polymerase epsilon, catalytic subunit; minus strand). Cytogenetic location: 12q24.33.
Variant type: Deletion.
Coding change: c.537_542del on transcript NM_006231.4 (MANE Select); coding-DNA positions 537 to 542, 6 bases deleted (GCAGGA; older notation c.537_542delGCAGGA).
Protein change: p.Glu179_Gln180del.
Molecular consequence: inframe deletion.
Genome position (GRCh38, 1-based): chr12:132,679,533-132,679,538, TCCTGC deleted on the plus strand (GCAGGA on the coding strand, the reverse complement: POLE is on the minus strand); deleting any 6 consecutive bases within chr12:132,679,533-132,679,541 gives the same sequence; the c. name uses the placement nearest the transcript's 3' end. VCF-style (leftmost placement, unchanged base first): chr12-132679532-ATCCTGC-A. GRCh37 (hg19) VCF-style: chr12-133256118-ATCCTGC-A.
Identifiers: ClinVar variation 825680 (VCV000825680.4), dbSNP rs1593085033, ClinGen allele CA915946773.

ClinVar aggregate classification (germline): Uncertain significance (1 of 4 stars; one submission).

Conditions:
Hereditary cancer-predisposing syndrome. Also called: Neoplastic Syndromes, Hereditary; Tumor predisposition; Hereditary neoplastic syndrome; Hereditary Cancer Syndrome. Identifiers: Orphanet 140162, MedGen C0027672, MeSH D009386, MONDO:0015356.

Submission:

Ambry Genetics
Classification: Uncertain significance for Hereditary cancer-predisposing syndrome. Last evaluated: 2019-07-10. Review status: criteria provided, single submitter. Criteria: Ambry Variant Classification Scheme 2023. Collection method: clinical testing. Allele origin: germline.
Comment: The c.537_542delGCAGGA variant (also known as p.E179_Q180del) is located in coding exon 6 of the POLE gene. This variant results from an in-frame deletion of 6 nucleotides at positions 537 to 542. This results in the deletion of 2 amino acids between codons 179 and 180. Since supporting evidence is limited at this time, the clinical significance of this alteration remains unclear.